The following is an entry in ClinVar:

NM_002437.5(MPV17):c.408T>G (p.Tyr136Ter)

Gene: MPV17 (mitochondrial inner membrane protein MPV17; minus strand). Cytogenetic location: 2p23.3.
Variant type: single nucleotide variant.
Coding change: c.408T>G on transcript NM_002437.5 (MANE Select); coding-DNA position 408, T replaced by G.
Protein change: p.Tyr136Ter; replaces tyrosine 136 with a stop codon.
Molecular consequence: nonsense.
Genome position (GRCh38, 1-based): chr2:27,312,214, A>C on the plus strand (T>G on the coding strand, the complement: MPV17 is on the minus strand). VCF-style: chr2-27312214-A-C. GRCh37 (hg19) VCF-style: chr2-27535082-A-C.
Other names: short protein forms Y136*.
Identifiers: ClinVar variation 694367 (VCV000694367.1), dbSNP rs1572542511, ClinGen allele CA346207415.

ClinVar aggregate classification (germline): Likely pathogenic (1 of 4 stars; one submission).

Conditions:
Mitochondrial DNA depletion syndrome 6 (hepatocerebral type). Also called: NAVAJO NEUROPATHY; Mitochondrial DNA depletion syndrome type 6; Navajo neurohepatopathy. Identifiers: Orphanet 255229, MedGen C1850406, MONDO:0009747, OMIM 256810.

Submission:

SIB Swiss Institute of Bioinformatics
Classification: Likely pathogenic for Mitochondrial DNA depletion syndrome 6 (hepatocerebral type). Last evaluated: 2019-08-13. Review status: criteria provided, single submitter. Criteria: ACMG Guidelines, 2015. Collection method: curation. Allele origin: unknown.
Comment: This variant is interpreted as a Likely pathogenic for Mitochondrial DNA depletion syndrome 6, autosomal recessive. The following ACMG Tag(s) were applied: PM2, PVS1-strong.

Literature cited by the submitters: PubMed 25129007.